The following is an entry in ClinVar:

ClinVar aggregate classification (germline): Uncertain significance (1 of 4 stars; one submission).

Conditions:
Rhabdoid tumor predisposition syndrome 2 (RTPS2). Identifiers: Orphanet 231108, Orphanet 69077, MedGen C2750074, MONDO:0013224, OMIM 613325.

Submission:

Labcorp Genetics (formerly Invitae), Labcorp
Classification: Uncertain significance for Rhabdoid tumor predisposition syndrome 2. Last evaluated: 2025-08-07. Review status: criteria provided, single submitter. Criteria: Invitae Variant Classification Sherloc (09022015). Collection method: clinical testing. Allele origin: germline.
Comment: This sequence change replaces glutamic acid, which is acidic and polar, with aspartic acid, which is acidic and polar, at codon 640 of the SMARCA4 protein (p.Glu640Asp). This variant is not present in population databases (gnomAD no frequency). This variant has not been reported in the literature in individuals affected with SMARCA4-related conditions. ClinVar contains an entry for this variant (Variation ID: 2811153). An algorithm developed to predict the effect of missense changes on protein structure and function (PolyPhen-2) suggests that this variant is likely to be tolerated. In summary, the available evidence is currently insufficient to determine the role of this variant in disease. Therefore, it has been classified as a Variant of Uncertain Significance.

NM_003072.5(SMARCA4):c.1920G>T (p.Glu640Asp)

Gene: SMARCA4 (SWI/SNF related BAF chromatin remodeling complex subunit ATPase 4; plus strand). Cytogenetic location: 19p13.2.
Variant type: single nucleotide variant.
Coding change: c.1920G>T on transcript NM_003072.5 (MANE Select); coding-DNA position 1920, G replaced by T.
Protein change: p.Glu640Asp; replaces glutamic acid 640 with aspartic acid.
Molecular consequence: missense variant. On other transcripts: non-coding transcript variant (1).
Genome position (GRCh38, 1-based): chr19:11,003,136, G>T. VCF-style: chr19-11003136-G-T. GRCh37 (hg19) VCF-style: chr19-11113812-G-T.
Other names: c.1920G>T, p.Glu640Asp (NM_001128844.3, NM_001128845.2, NM_001128846.2 and 6 more transcripts); short protein forms E640D.
Identifiers: ClinVar variation 2811153 (VCV002811153.3), dbSNP rs773755542, ClinGen allele CA404051675.